The following is an entry in ClinVar:

NM_001127178.3(PIGG):c.2731C>T (p.Arg911Cys)

Gene: PIGG (phosphatidylinositol glycan anchor biosynthesis class G (EMM blood group); plus strand). Cytogenetic location: 4p16.3.
Variant type: single nucleotide variant.
Coding change: c.2731C>T on transcript NM_001127178.3 (MANE Select); coding-DNA position 2731, C replaced by T.
Protein change: p.Arg911Cys; replaces arginine 911 with cysteine.
Molecular consequence: missense variant. On other transcripts: non-coding transcript variant (10).
Genome position (GRCh38, 1-based): chr4:533,977, C>T. VCF-style: chr4-533977-C-T. GRCh37 (hg19) VCF-style: chr4-527766-C-T.
Other names: c.2464C>T, p.Arg822Cys (NM_001289051.2, NM_001345986.2); c.2332C>T, p.Arg778Cys (NM_001289052.2); c.2440C>T, p.Arg814Cys (NM_001345987.2); c.1702C>T, p.Arg568Cys (NM_001345988.2); c.1198C>T, p.Arg400Cys (NM_001345990.2, NM_001345991.2); c.1633C>T, p.Arg545Cys (NM_001345994.2); c.2707C>T, p.Arg903Cys (NM_017733.5); short protein forms R911C, R822C, R903C, R400C, R545C, R778C, R568C, R814C.
Identifiers: ClinVar variation 542885 (VCV000542885.8), dbSNP rs781165955, ClinGen allele CA2793722.

ClinVar aggregate classification (germline): Uncertain significance. Review status: criteria provided, multiple submitters, no conflicts (2 of 4 stars). 2 submissions from 2 submitters: Uncertain significance (2). Last evaluated 2024-10-02.

Conditions:
Intellectual disability, autosomal recessive 53 (NEDHSCA). Also called: GLYCOSYLPHOSPHATIDYLINOSITOL BIOSYNTHESIS DEFECT 13; Mental retardation, autosomal recessive 53; NEURODEVELOPMENTAL DISORDER WITH OR WITHOUT HYPOTONIA, SEIZURES, AND CEREBELLAR ATROPHY. Identifiers: Orphanet 488635, MedGen C4310794, MONDO:0014832, OMIM 616917.

Allele frequency attached by ClinVar (database versions not stated): ExAC 0.00001; gnomAD 0.00001; gnomAD exomes 0.00002; TOPMed 0.00002.
gnomAD v4.1: 26 of 1,613,818 alleles (0.0016%); highest among the groups gnomAD compares: East Asian, 0.0089%; no homozygotes.

Submissions (2):

Blueprint Genetics
Classification: Uncertain significance. Last evaluated: 2024-10-02. Review status: criteria provided, single submitter. Criteria: ACMG Guidelines, 2015. Collection method: clinical testing. Allele origin: germline.

Labcorp Genetics (formerly Invitae), Labcorp
Classification: Uncertain significance for Intellectual disability, autosomal recessive 53. Last evaluated: 2022-08-16. Review status: criteria provided, single submitter. Criteria: Invitae Variant Classification Sherloc (09022015). Collection method: clinical testing. Allele origin: germline.
Comment: This sequence change replaces arginine, which is basic and polar, with cysteine, which is neutral and slightly polar, at codon 911 of the PIGG protein (p.Arg911Cys). This variant is present in population databases (rs781165955, gnomAD 0.006%). This variant has not been reported in the literature in individuals affected with PIGG-related conditions. ClinVar contains an entry for this variant (Variation ID: 542885). Algorithms developed to predict the effect of missense changes on protein structure and function (SIFT, PolyPhen-2, Align-GVGD) all suggest that this variant is likely to be tolerated. In summary, the available evidence is currently insufficient to determine the role of this variant in disease. Therefore, it has been classified as a Variant of Uncertain Significance.